The following is an entry in ClinVar:

NM_001244008.2(KIF1A):c.4739G>A (p.Ser1580Asn)

Gene: KIF1A (kinesin family member 1A; minus strand). Cytogenetic location: 2q37.3.
Variant type: single nucleotide variant.
Coding change: c.4739G>A on transcript NM_001244008.2 (MANE Select); coding-DNA position 4739, G replaced by A.
Protein change: p.Ser1580Asn; replaces serine 1580 with asparagine.
Molecular consequence: missense variant.
Genome position (GRCh38, 1-based): chr2:240,721,811, C>T on the plus strand (G>A on the coding strand, the complement: KIF1A is on the minus strand). VCF-style: chr2-240721811-C-T. GRCh37 (hg19) VCF-style: chr2-241661228-C-T.
Other names: c.4463G>A, p.Ser1488Asn (NM_001320705.2, NM_001379649.1); c.4490G>A, p.Ser1497Asn (NM_001330289.2); c.4538G>A, p.Ser1513Asn (NM_001330290.2, NM_001379648.1); c.4814G>A, p.Ser1605Asn (NM_001379631.1); c.4715G>A, p.Ser1572Asn (NM_001379632.1); c.4712G>A, p.Ser1571Asn (NM_001379633.1, NM_001379645.1); c.4565G>A, p.Ser1522Asn (NM_001379634.1); c.4562G>A, p.Ser1521Asn (NM_001379635.1, NM_001379646.1); and 7 more; short protein forms S1488N, S1504N, S1517N, S1580N, S1497N, S1522N, S1487N, S1496N.
Identifiers: ClinVar variation 1483095 (VCV001483095.5), dbSNP rs2045427297, ClinGen allele CA351302813.

ClinVar aggregate classification (germline): Uncertain significance. Review status: criteria provided, multiple submitters, no conflicts (2 of 4 stars). 2 submissions from 2 submitters: Uncertain significance (2). Last evaluated 2021-09-24.

Conditions:
Inborn genetic diseases. Identifiers: MedGen C0950123, MeSH D030342.
Hereditary spastic paraplegia 30. Identifiers: Orphanet 101010, MedGen C5235139, MONDO:0012476.
Neuropathy, hereditary sensory, type 2C. Also called: KIF1A-Related HSAN2 (HSAN2C); Hereditary sensory and autonomic neuropathy type IIC. Identifiers: Orphanet 970, MedGen C3280168, MONDO:0013634, OMIM 614213.
Intellectual disability, autosomal dominant 9 (NESCAVS). Also called: KIF1A-Related Neurodevelopmental Disorder; NESCAV SYNDROME. Identifiers: Orphanet 662367, MedGen C5393830, MONDO:0013656, OMIM 614255.

Allele frequency attached by ClinVar (database versions not stated): TOPMed below 0.00001.
gnomAD v4.1: 1 of 1,604,070 alleles (0.000062%); highest among the groups gnomAD compares: Non-Finnish European, 0.000085%; no homozygotes.

Submissions (2):

Labcorp Genetics (formerly Invitae), Labcorp
Classification: Uncertain significance for Hereditary spastic paraplegia 30; Neuropathy, hereditary sensory, type 2C; Intellectual disability, autosomal dominant 9. Last evaluated: 2021-09-24. Review status: criteria provided, single submitter. Criteria: Invitae Variant Classification Sherloc (09022015). Collection method: clinical testing. Allele origin: germline.

Ambry Genetics
Classification: Uncertain significance for Inborn genetic diseases. Last evaluated: 2018-08-09. Review status: criteria provided, single submitter. Criteria: Ambry Variant Classification Scheme 2023. Collection method: clinical testing. Allele origin: germline.
Comment: The p.S1479N variant (also known as c.4436G>A), located in coding exon 41 of the KIF1A gene, results from a G to A substitution at nucleotide position 4436. The serine at codon 1479 is replaced by asparagine, an amino acid with highly similar properties. This amino acid position is well conserved in available vertebrate species; however, asparagine is the reference amino acid in other vertebrate species. In addition, this alteration is predicted to be tolerated by in silico analysis. Since supporting evidence is limited at this time, the clinical significance of this alteration remains unclear.